The following is an entry in ClinVar:

ClinVar aggregate classification (germline): Conflicting classifications of pathogenicity. Review status: criteria provided, conflicting classifications (1 of 4 stars). 11 submissions from 11 submitters: Uncertain significance (1); Likely benign (9). 1 of the submissions does not count toward it. Last evaluated 2026-08-19.

Conditions:
ALPL-related disorder. Also called: ALPL-related disorders; ALPL-related condition.
Hypophosphatasia. Also called: Phosphoethanol-aminuria. Identifiers: Orphanet 436, MedGen C0020630, MeSH D007014, MONDO:0018570.

Allele frequency attached by ClinVar (database versions not stated): gnomAD 0.00062 and 0.00067; gnomAD exomes 0.00063 and 0.00106; ExAC 0.00067; TOPMed 0.00078; ESP Exome Variant Server 0.00085.
gnomAD v4.1: 1,627 of 1,613,910 alleles (0.1%); highest among the groups gnomAD compares: Non-Finnish European, 0.13%; 1 homozygote.

Submissions (11):

PreventionGenetics, part of Exact Sciences
Classification: Likely benign for ALPL-related condition. Last evaluated: 2026-08-19. Review status: criteria provided, single submitter. Criteria: ACMG Guidelines, 2015. Collection method: clinical testing. Allele origin: germline.
Comment: This variant is classified as likely benign based on ACMG/AMP sequence variant interpretation guidelines (Richards et al. 2015 PMID: 25741868, with internal and published modifications).

CeGaT Center for Human Genetics Tuebingen
Classification: Likely benign. Last evaluated: 2026-08-01. Review status: criteria provided, single submitter. Criteria: CeGaT Center For Human Genetics Tuebingen Variant Classification Criteria Version 2. Collection method: clinical testing. Allele origin: germline. Affected: yes. Observed: 3 variant alleles.
Comment: ALPL: BP4, BP7

Labcorp Genetics (formerly Invitae), Labcorp
Classification: Likely benign. Last evaluated: 2026-02-02. Review status: criteria provided, single submitter. Criteria: Invitae Variant Classification Sherloc (09022015). Collection method: clinical testing. Allele origin: germline.

Women's Health and Genetics/Laboratory Corporation of America, LabCorp
Classification: Likely benign. Last evaluated: 2025-10-31. Review status: criteria provided, single submitter. Criteria: LabCorp Variant Classification Summary - May 2015. Collection method: clinical testing. Allele origin: germline.

Blueprint Genetics
Classification: Likely benign. Last evaluated: 2024-11-19. Review status: criteria provided, single submitter. Criteria: ACMG Guidelines, 2015. Collection method: clinical testing. Allele origin: germline.

ARUP Laboratories, Molecular Genetics and Genomics, ARUP Laboratories
Classification: Likely benign. Last evaluated: 2023-09-11. Review status: criteria provided, single submitter. Criteria: ARUP Molecular Germline Variant Investigation Process 2024. Collection method: clinical testing. Allele origin: germline.

GeneDx
Classification: Likely benign. Last evaluated: 2021-05-24. Review status: criteria provided, single submitter. Criteria: GeneDx Variant Classification Process June 2021. Collection method: clinical testing. Allele origin: germline. Affected: yes.

Athena Diagnostics
Classification: Likely benign. Last evaluated: 2021-02-15. Review status: criteria provided, single submitter. Criteria: Athena Diagnostics criteria. Collection method: clinical testing. Allele origin: unknown.

Illumina Laboratory Services, Illumina
Classification: Likely benign for Hypophosphatasia. Last evaluated: 2018-01-13. Review status: criteria provided, single submitter. Criteria: ICSL Variant Classification Criteria 13 December 2019. Collection method: clinical testing. Allele origin: germline.
Comment: This variant was observed in the ICSL laboratory as part of a predisposition screen in an ostensibly healthy population. It had not been previously curated by ICSL or reported in the Human Gene Mutation Database (HGMD: prior to June 1st, 2018), and was therefore a candidate for classification through an automated scoring system. Utilizing variant allele frequency, disease prevalence and penetrance estimates, and inheritance mode, an automated score was calculated to assess if this variant is too frequent to cause the disease. Based on the score and internal cut-off values, a variant classified as likely benign is not then subjected to further curation. The score for this variant resulted in a classification of likely benign for this disease.

Eurofins Ntd Llc (ga)
Classification: Uncertain significance. Last evaluated: 2016-06-26. Review status: criteria provided, single submitter. Criteria: EGL Classification Definitions 2015. Collection method: clinical testing. Allele origin: germline. Observed: 1 variant allele, 1 heterozygote.

Natera, Inc.
Classification: Uncertain significance for Hypophosphatasia. Last evaluated: 2019-10-28. Review status: no assertion criteria provided. Collection method: clinical testing. Allele origin: germline. Not counted in ClinVar's aggregate classification.

NM_000478.6(ALPL):c.612C>T (p.Ile204=)

Gene: ALPL (alkaline phosphatase, biomineralization associated; plus strand). Cytogenetic location: 1p36.12.
Variant type: single nucleotide variant.
Coding change: c.612C>T on transcript NM_000478.6 (MANE Select); coding-DNA position 612, C replaced by T.
Protein change: p.Ile204=; no amino-acid change (isoleucine 204 retained).
Molecular consequence: synonymous variant.
Genome position (GRCh38, 1-based): chr1:21,564,180, C>T. VCF-style: chr1-21564180-C-T. GRCh37 (hg19) VCF-style: chr1-21890673-C-T.
Other names: c.447C>T, p.Ile149= (NM_001127501.4); c.381C>T, p.Ile127= (NM_001177520.3); c.612C>T, p.Ile204= (NM_001369803.2, NM_001369804.2, NM_001369805.2).
Identifiers: ClinVar variation 289137 (VCV000289137.62), dbSNP rs141448778, ClinGen allele CA666538.